The following is an entry in ClinVar:

ClinVar aggregate classification (germline): Uncertain significance (1 of 4 stars; one submission).

gnomAD v4.1: 68 of 1,613,766 alleles (0.0042%); highest among the groups gnomAD compares: Non-Finnish European, 0.0058%; no homozygotes.

Submission:

Labcorp Genetics (formerly Invitae), Labcorp
Classification: Uncertain significance. Last evaluated: 2022-07-05. Review status: criteria provided, single submitter. Criteria: Invitae Variant Classification Sherloc (09022015). Collection method: clinical testing. Allele origin: germline.
Comment: This sequence change replaces phenylalanine, which is neutral and non-polar, with leucine, which is neutral and non-polar, at codon 2405 of the COL7A1 protein (p.Phe2405Leu). This variant is present in population databases (rs779587550, gnomAD 0.003%). This variant has not been reported in the literature in individuals affected with COL7A1-related conditions. ClinVar contains an entry for this variant (Variation ID: 1446905). Advanced modeling of protein sequence and biophysical properties (such as structural, functional, and spatial information, amino acid conservation, physicochemical variation, residue mobility, and thermodynamic stability) performed at Invitae indicates that this missense variant is not expected to disrupt COL7A1 protein function. In summary, the available evidence is currently insufficient to determine the role of this variant in disease. Therefore, it has been classified as a Variant of Uncertain Significance.

NM_000094.4(COL7A1):c.7215C>G (p.Phe2405Leu)

Gene: COL7A1 (collagen type VII alpha 1 chain; minus strand). Cytogenetic location: 3p21.31.
Variant type: single nucleotide variant.
Coding change: c.7215C>G on transcript NM_000094.4 (MANE Select); coding-DNA position 7215, C replaced by G.
Protein change: p.Phe2405Leu; replaces phenylalanine 2405 with leucine.
Molecular consequence: missense variant.
Genome position (GRCh38, 1-based): chr3:48,570,918, G>C on the plus strand (C>G on the coding strand, the complement: COL7A1 is on the minus strand). VCF-style: chr3-48570918-G-C. GRCh37 (hg19) VCF-style: chr3-48608351-G-C.
Other names: short protein forms F2405L.
Identifiers: ClinVar variation 1446905 (VCV001446905.5), dbSNP rs779587550, ClinGen allele CA2378599.